The following is an entry in ClinVar:

ClinVar aggregate classification (germline): Uncertain significance (1 of 4 stars; one submission).

Conditions:
Noonan syndrome 9 (NS9). Identifiers: Orphanet 648, MedGen C4225282, MONDO:0014691, OMIM 616559.

Submission:

Labcorp Genetics (formerly Invitae), Labcorp
Classification: Uncertain significance for Noonan syndrome 9. Last evaluated: 2024-04-20. Review status: criteria provided, single submitter. Criteria: Invitae Variant Classification Sherloc (09022015). Collection method: clinical testing. Allele origin: germline.
Comment: This sequence change replaces lysine, which is basic and polar, with arginine, which is basic and polar, at codon 233 of the SOS2 protein (p.Lys233Arg). This variant is not present in population databases (gnomAD no frequency). This variant has not been reported in the literature in individuals affected with SOS2-related conditions. Advanced modeling of protein sequence and biophysical properties (such as structural, functional, and spatial information, amino acid conservation, physicochemical variation, residue mobility, and thermodynamic stability) performed at Invitae indicates that this missense variant is not expected to disrupt SOS2 protein function with a negative predictive value of 80%. In summary, the available evidence is currently insufficient to determine the role of this variant in disease. Therefore, it has been classified as a Variant of Uncertain Significance.

NM_006939.4(SOS2):c.698A>G (p.Lys233Arg)

Gene: SOS2 (SOS Ras/Rho guanine nucleotide exchange factor 2; minus strand). Cytogenetic location: 14q21.3.
Variant type: single nucleotide variant.
Coding change: c.698A>G on transcript NM_006939.4 (MANE Select); coding-DNA position 698, A replaced by G.
Protein change: p.Lys233Arg; replaces lysine 233 with arginine.
Molecular consequence: missense variant.
Genome position (GRCh38, 1-based): chr14:50,188,513, T>C on the plus strand (A>G on the coding strand, the complement: SOS2 is on the minus strand). VCF-style: chr14-50188513-T-C. GRCh37 (hg19) VCF-style: chr14-50655231-T-C.
Other names: c.698A>G, p.Lys233Arg (NM_001411020.1); short protein forms K233R.
Identifiers: ClinVar variation 3704741 (VCV003704741.2).